The following is an entry in ClinVar:

ClinVar aggregate classification (germline): Pathogenic/Likely pathogenic. Review status: criteria provided, multiple submitters, no conflicts (2 of 4 stars). 2 submissions from 2 submitters: Pathogenic (1); Likely pathogenic (1). Last evaluated 2023-10-27.

Conditions:
Primary hyperoxaluria, type I (HP1). Also called: GLYCOLIC ACIDURIA; HEPATIC AGT DEFICIENCY; OXALOSIS I; Primary hyperoxaluria type 1. Identifiers: Orphanet 416, Orphanet 93598, MedGen C0268164, MONDO:0009823, OMIM 259900. Disease mechanism: loss of function.

Submissions (2):

Clinical Biochemistry Laboratory, Health Services Laboratory
Classification: Pathogenic for Primary hyperoxaluria, type I. Last evaluated: 2023-10-27. Review status: criteria provided, single submitter. Criteria: ACMG Guidelines, 2015. Collection method: curation. Allele origin: germline. Affected: yes.
Comment: ACMG:PVS1 PM2 PP3

Baylor Genetics
Classification: Likely pathogenic for Primary hyperoxaluria, type I. Last evaluated: 2022-12-30. Review status: criteria provided, single submitter. Criteria: ACMG Guidelines, 2015. Collection method: clinical testing. Allele origin: unknown.

Literature cited by the submitters: PubMed 36185032 (cited by Clinical Biochemistry Laboratory, Health Services Laboratory).

NM_000030.3(AGXT):c.807dup (p.Tyr270fs)

Gene: AGXT (alanine--glyoxylate aminotransferase; plus strand). Cytogenetic location: 2q37.3.
Variant type: Duplication.
Coding change: c.807dup on transcript NM_000030.3 (MANE Select); coding-DNA position 807, one base duplicated (G; older notation c.807dupG).
Protein change: p.Tyr270fs; shifts the reading frame from tyrosine 270.
Molecular consequence: frameshift variant.
Genome position (GRCh38, 1-based): chr2:240,875,965, G duplicated. VCF-style (leftmost placement, unchanged base first): chr2-240875964-T-TG. GRCh37 (hg19) VCF-style: chr2-241815381-T-TG.
Other names: c.807dup (NM_000030.2); short protein forms Y270fs.
Identifiers: ClinVar variation 2675222 (VCV002675222.1), dbSNP rs2528758339, ClinGen allele CA2586971643.